The following is an entry in ClinVar:

ClinVar aggregate classification (germline): Uncertain significance (1 of 4 stars; one submission).

Conditions:
Hereditary cancer-predisposing syndrome. Also called: Neoplastic Syndromes, Hereditary; Tumor predisposition; Hereditary Cancer Syndrome; Hereditary neoplastic syndrome. Identifiers: Orphanet 140162, MedGen C0027672, MeSH D009386, MONDO:0015356.

Submission:

Ambry Genetics
Classification: Uncertain significance for Hereditary cancer-predisposing syndrome. Last evaluated: 2019-06-05. Review status: criteria provided, single submitter. Criteria: Ambry Variant Classification Scheme 2023. Collection method: clinical testing. Allele origin: germline.
Comment: The p.L653I variant (also known as c.1957C>A), located in coding exon 12 of the ATM gene, results from a C to A substitution at nucleotide position 1957. The leucine at codon 653 is replaced by isoleucine, an amino acid with highly similar properties. This amino acid position is highly conserved in available vertebrate species. In addition, this alteration is predicted to be tolerated by in silico analysis. Since supporting evidence is limited at this time, the clinical significance of this alteration remains unclear.

NM_000051.4(ATM):c.1957C>A (p.Leu653Ile)

Gene: ATM (ATM serine/threonine kinase; plus strand). Cytogenetic location: 11q22.3.
Variant type: single nucleotide variant.
Coding change: c.1957C>A on transcript NM_000051.4 (MANE Select); coding-DNA position 1957, C replaced by A.
Protein change: p.Leu653Ile; replaces leucine 653 with isoleucine.
Molecular consequence: missense variant.
Genome position (GRCh38, 1-based): chr11:108,253,872, C>A. VCF-style: chr11-108253872-C-A. GRCh37 (hg19) VCF-style: chr11-108124599-C-A.
Other names: c.1957C>A, p.Leu653Ile (NM_001351834.2); short protein forms L653I.
Identifiers: ClinVar variation 1783327 (VCV001783327.2), dbSNP rs2135367424, ClinGen allele CA382536762.
Genomic context (GRCh38, chr11:108,253,872, plus strand): 5'-AGTGAACACCACCAAAAAGATAAAGAAGAACTTTCATTCTCAGAAGTAGAAGAACTATTT[C>A]TTCAGACAACTTTTGACAAGATGGACTTTTTAACCATTGTGAGAGAATGTGGTATAGAAA-3'
Protein context (NP_000042.3, residues 643-663): LSFSEVEELF[Leu653Ile]QTTFDKMDFL